The following is an entry in ClinVar:

ClinVar aggregate classification (germline): Uncertain significance (1 of 4 stars; one submission).

Allele frequency attached by ClinVar (database versions not stated): gnomAD 0.00001; ExAC 0.00002; TOPMed 0.00002; ESP Exome Variant Server 0.00008.
gnomAD v4.1: 94 of 1,612,758 alleles (0.0058%); highest among the groups gnomAD compares: Non-Finnish European, 0.0075%; no homozygotes.

Submission:

Labcorp Genetics (formerly Invitae), Labcorp
Classification: Uncertain significance. Last evaluated: 2023-07-20. Review status: criteria provided, single submitter. Criteria: Invitae Variant Classification Sherloc (09022015). Collection method: clinical testing. Allele origin: germline.
Comment: In summary, the available evidence is currently insufficient to determine the role of this variant in disease. Therefore, it has been classified as a Variant of Uncertain Significance. An algorithm developed to predict the effect of missense changes on protein structure and function (PolyPhen-2) suggests that this variant is likely to be tolerated. This variant has not been reported in the literature in individuals affected with SORL1-related conditions. This variant is present in population databases (rs377292128, gnomAD 0.004%). This sequence change replaces proline, which is neutral and non-polar, with serine, which is neutral and polar, at codon 1273 of the SORL1 protein (p.Pro1273Ser).

NM_003105.6(SORL1):c.3817C>T (p.Pro1273Ser)

Gene: SORL1 (sortilin related receptor 1; plus strand). Cytogenetic location: 11q24.1.
Variant type: single nucleotide variant.
Coding change: c.3817C>T on transcript NM_003105.6 (MANE Select); coding-DNA position 3817, C replaced by T.
Protein change: p.Pro1273Ser; replaces proline 1273 with serine.
Molecular consequence: missense variant.
Genome position (GRCh38, 1-based): chr11:121,588,022, C>T. VCF-style: chr11-121588022-C-T. GRCh37 (hg19) VCF-style: chr11-121458731-C-T.
Other names: short protein forms P1273S.
Identifiers: ClinVar variation 2904541 (VCV002904541.3), dbSNP rs377292128, ClinGen allele CA6329424.